The following is an entry in ClinVar:

NM_005876.5(SPEG):c.2381C>T (p.Ala794Val)

Gene: SPEG (striated muscle enriched protein kinase; plus strand). Cytogenetic location: 2q35.
Variant type: single nucleotide variant.
Coding change: c.2381C>T on transcript NM_005876.5 (MANE Select); coding-DNA position 2381, C replaced by T.
Protein change: p.Ala794Val; replaces alanine 794 with valine.
Molecular consequence: missense variant.
Genome position (GRCh38, 1-based): chr2:219,451,748, C>T. VCF-style: chr2-219451748-C-T. GRCh37 (hg19) VCF-style: chr2-220316470-C-T.
Other names: c.2381C>T (NM_005876.4); short protein forms A794V.
Identifiers: ClinVar variation 1407356 (VCV001407356.7), dbSNP rs201205287, ClinGen allele CA2125819.

ClinVar aggregate classification (germline): Uncertain significance. Review status: criteria provided, multiple submitters, no conflicts (2 of 4 stars). 2 submissions from 2 submitters: Uncertain significance (2). Last evaluated 2024-08-27.

Conditions:
Inborn genetic diseases. Identifiers: MedGen C0950123, MeSH D030342.

Allele frequency attached by ClinVar (database versions not stated): gnomAD exomes 0.00001; gnomAD 0.00010 and 0.00011; TOPMed 0.00015; ESP Exome Variant Server 0.00016.
gnomAD v4.1: 25 of 1,557,954 alleles (0.0016%); highest among the groups gnomAD compares: African/African-American, 0.031%; 1 homozygote.

Submissions (2):

Ambry Genetics
Classification: Uncertain significance for Inborn genetic diseases. Last evaluated: 2024-08-27. Review status: criteria provided, single submitter. Criteria: Ambry Variant Classification Scheme 2023. Collection method: clinical testing. Allele origin: germline.

Labcorp Genetics (formerly Invitae), Labcorp
Classification: Uncertain significance. Last evaluated: 2022-02-02. Review status: criteria provided, single submitter. Criteria: Invitae Variant Classification Sherloc (09022015). Collection method: clinical testing. Allele origin: germline.
Comment: In summary, the available evidence is currently insufficient to determine the role of this variant in disease. Therefore, it has been classified as a Variant of Uncertain Significance. Algorithms developed to predict the effect of missense changes on protein structure and function output the following: SIFT: "Tolerated"; PolyPhen-2: "Benign"; Align-GVGD: "Class C0". The valine amino acid residue is found in multiple mammalian species, which suggests that this missense change does not adversely affect protein function. This variant has not been reported in the literature in individuals affected with SPEG-related conditions. This variant is present in population databases (rs201205287, gnomAD 0.02%). This sequence change replaces alanine, which is neutral and non-polar, with valine, which is neutral and non-polar, at codon 794 of the SPEG protein (p.Ala794Val).